The following is an entry in ClinVar:

NM_000135.4(FANCA):c.2669G>T (p.Ser890Ile)

Genes: FANCA (FA complementation group A; minus strand), LOC130059837 (ATAC-STARR-seq lymphoblastoid active region 11420; plus strand). Cytogenetic location: 16q24.3.
Variant type: single nucleotide variant.
Coding change: c.2669G>T on transcript NM_000135.4 (MANE Select); coding-DNA position 2669, G replaced by T.
Protein change: p.Ser890Ile; replaces serine 890 with isoleucine.
Molecular consequence: missense variant.
Genome position (GRCh38, 1-based): chr16:89,764,999, C>A on the plus strand (G>T on the coding strand, the complement: FANCA is on the minus strand). VCF-style: chr16-89764999-C-A. GRCh37 (hg19) VCF-style: chr16-89831407-C-A.
Other names: c.2669G>T, p.Ser890Ile (NM_001286167.3); short protein forms S890I.
Identifiers: ClinVar variation 1692210 (VCV001692210.1), dbSNP rs1055448646, ClinGen allele CA397438559.
Genomic context (GRCh38, chr16:89,764,999, plus strand): 5'-AGAGAGAGGGCAGCTCTCTGCCAGTCTGCAGAAGGAAGGTGCAAGGGTCTCCAGGAAAGG[C>A]TGGCTACGTCCTCCTCAGAAAGAGGCTGTCGGGCCTCTGAGAACAATCTGAACATGAGGA-3'
Protein context (NP_000126.2, residues 880-900): RQPLSEEDVA[Ser890Ile]LSWRPLHLPS

ClinVar aggregate classification (germline): Uncertain significance (1 of 4 stars; one submission).

Conditions:
Fanconi anemia (FA). Also called: Fanconi's anemia. Identifiers: Orphanet 84, MedGen C0015625, MeSH D005199, MONDO:0019391.

Submission:

Sema4
Classification: Uncertain significance for Fanconi anemia. Last evaluated: 2022-02-10. Review status: criteria provided, single submitter. Criteria: Sema4 Curation Guidelines. Collection method: curation. Allele origin: germline.
Comment: The FANCA c.2669G>T (p.S890I) variant has not been reported in the literature to our knowledge. This variant is not reported in the population database Genome Aggregation Database (PMID: 32461654). The variant has not been reported in ClinVar. Functional studies have not been performed, and in silico predictions of the variant's effect on protein function are inconclusive. The evidence is insufficient to meet ACMG/AMP criteria for classifying the variant as benign or pathogenic. Thus, the clinical significance of this variant is currently uncertain.